The following is an entry in ClinVar:

NM_005051.3(QARS1):c.461G>A (p.Arg154Gln)

Gene: QARS1 (glutaminyl-tRNA synthetase 1; minus strand). Cytogenetic location: 3p21.31.
Variant type: single nucleotide variant.
Coding change: c.461G>A on transcript NM_005051.3 (MANE Select); coding-DNA position 461, G replaced by A.
Protein change: p.Arg154Gln; replaces arginine 154 with glutamine.
Molecular consequence: missense variant. On other transcripts: non-coding transcript variant (1).
Genome position (GRCh38, 1-based): chr3:49,103,400, C>T on the plus strand (G>A on the coding strand, the complement: QARS1 is on the minus strand). VCF-style: chr3-49103400-C-T. GRCh37 (hg19) VCF-style: chr3-49140833-C-T.
Other names: p.Arg154Gln; c.428G>A, p.Arg143Gln (NM_001272073.2); c.461G>A (NM_005051.1); short protein forms R143Q, R154Q.
Identifiers: ClinVar variation 972046 (VCV000972046.9), dbSNP rs201032950, ClinGen allele CA2392148.

ClinVar aggregate classification (germline): Uncertain significance. Review status: criteria provided, multiple submitters, no conflicts (2 of 4 stars). 4 submissions from 4 submitters: Uncertain significance (4). Last evaluated 2024-09-16.

Conditions:
Diffuse cerebral and cerebellar atrophy - intractable seizures - progressive microcephaly syndrome. Also called: Microcephaly, progressive, with seizures and cerebral and cerebellar atrophy. Identifiers: Orphanet 404437, MedGen C4014239, MONDO:0014335, OMIM 615760.
Inborn genetic diseases. Identifiers: MedGen C0950123, MeSH D030342.

Allele frequency attached by ClinVar (database versions not stated): TOPMed 0.00008; gnomAD 0.00009 and 0.00010; 1000 Genomes Project 30x 0.00016; 1000 Genomes Project 0.00020.
gnomAD v4.1: 270 of 1,614,050 alleles (0.017%); highest among the groups gnomAD compares: Non-Finnish European, 0.022%; no homozygotes.

Submissions (4):

Mayo Clinic Laboratories, Mayo Clinic
Classification: Uncertain significance. Last evaluated: 2024-09-16. Review status: criteria provided, single submitter. Criteria: ACMG Guidelines, 2015. Collection method: clinical testing. Allele origin: germline. Observed: 2 variant alleles.
Comment: PM2_moderate

Ambry Genetics
Classification: Uncertain significance for Inborn genetic diseases. Last evaluated: 2023-05-23. Review status: criteria provided, single submitter. Criteria: Ambry Variant Classification Scheme 2023. Collection method: clinical testing. Allele origin: germline.

Labcorp Genetics (formerly Invitae), Labcorp
Classification: Uncertain significance for Diffuse cerebral and cerebellar atrophy - intractable seizures - progressive microcephaly syndrome. Last evaluated: 2022-10-17. Review status: criteria provided, single submitter. Criteria: Invitae Variant Classification Sherloc (09022015). Collection method: clinical testing. Allele origin: germline.
Comment: This sequence change replaces arginine, which is basic and polar, with glutamine, which is neutral and polar, at codon 154 of the QARS protein (p.Arg154Gln). This variant is present in population databases (rs201032950, gnomAD 0.02%). This variant has not been reported in the literature in individuals affected with QARS-related conditions. ClinVar contains an entry for this variant (Variation ID: 972046). Advanced modeling of protein sequence and biophysical properties (such as structural, functional, and spatial information, amino acid conservation, physicochemical variation, residue mobility, and thermodynamic stability) has been performed at Invitae for this missense variant, however the output from this modeling did not meet the statistical confidence thresholds required to predict the impact of this variant on QARS protein function. In summary, the available evidence is currently insufficient to determine the role of this variant in disease. Therefore, it has been classified as a Variant of Uncertain Significance.

GeneDx
Classification: Uncertain significance. Last evaluated: 2021-02-16. Review status: criteria provided, single submitter. Criteria: GeneDx Variant Classification Process June 2021. Collection method: clinical testing. Allele origin: germline. Affected: yes.
Comment: In silico analysis supports that this missense variant has a deleterious effect on protein structure/function; Has not been previously published as pathogenic or benign to our knowledge